The following is an entry in ClinVar:

ClinVar aggregate classification (germline): Likely benign (1 of 4 stars; one submission).

Allele frequency attached by ClinVar (database versions not stated): gnomAD 0.00001; gnomAD exomes 0.00001; TOPMed 0.00001.
gnomAD v4.1: 19 of 1,354,492 alleles (0.0014%); highest among the groups gnomAD compares: Non-Finnish European, 0.0016%; no homozygotes.

Submission:

GeneDx
Classification: Likely benign. Last evaluated: 2016-01-14. Review status: criteria provided, single submitter. Criteria: GeneDx Variant Classification (06012015). Collection method: clinical testing. Allele origin: germline. Affected: yes.
Comment: This variant is considered likely benign or benign based on one or more of the following criteria: it is a conservative change, it occurs at a poorly conserved position in the protein, it is predicted to be benign by multiple in silico algorithms, and/or has population frequency not consistent with disease.

NM_001698.3(AUH):c.-28T>C

Genes: AUH (AU RNA binding methylglutaconyl-CoA hydratase; minus strand), LOC130002059 (ATAC-STARR-seq lymphoblastoid silent region 20025; plus strand). Cytogenetic location: 9q22.31.
Variant type: single nucleotide variant.
Coding change: c.-28T>C on transcript NM_001698.3 (MANE Select); 28 bases upstream of the start codon, T replaced by C.
Molecular consequence: 5 prime UTR variant.
Genome position (GRCh38, 1-based): chr9:91,361,917, A>G on the plus strand (T>C on the coding strand, the complement: AUH is on the minus strand). VCF-style: chr9-91361917-A-G. GRCh37 (hg19) VCF-style: chr9-94124199-A-G.
Other names: c.-28T>C (NM_001306190.2); c.-425T>C (NM_001351431.2, NM_001351433.2); c.-517T>C (NM_001351432.2).
Identifiers: ClinVar variation 381878 (VCV000381878.1), dbSNP rs981990900, ClinGen allele CA16605877.
Genomic context (GRCh38, chr9:91,361,917, plus strand): 5'-GGCCCCAGGTGCCGCCGCCACCGCGGCCGCCATGTTGTCTGTTTACGGCGTGGACCTGCG[A>G]CGGCCGCTCCGCCCCCGCCCGGCGCCGACCTGCCGCGCGCACGCGCACGGCGTCCGGACC-3'